The following is an entry in ClinVar:

NM_001267550.2(TTN):c.52449C>T (p.Thr17483=)

Genes: TTN (titin; minus strand), TTN-AS1 (TTN antisense RNA 1; plus strand). Cytogenetic location: 2q31.2.
Variant type: single nucleotide variant.
Coding change: c.52449C>T on transcript NM_001267550.2 (MANE Select); coding-DNA position 52449, C replaced by T.
Protein change: p.Thr17483=; no amino-acid change (threonine 17483 retained).
Molecular consequence: synonymous variant.
Genome position (GRCh38, 1-based): chr2:178,608,434, G>A on the plus strand (C>T on the coding strand, the complement: TTN is on the minus strand). VCF-style: chr2-178608434-G-A. GRCh37 (hg19) VCF-style: chr2-179473161-G-A.
Other names: c.47526C>T, p.Thr15842= (NM_001256850.1); c.25254C>T, p.Thr8418= (NM_003319.4); c.44745C>T, p.Thr14915= (NM_133378.4); c.25629C>T, p.Thr8543= (NM_133432.3); c.25830C>T, p.Thr8610= (NM_133437.4).
Identifiers: ClinVar variation 668418 (VCV000668418.25), dbSNP rs374894182, ClinGen allele CA1993986.

ClinVar aggregate classification (germline): Conflicting classifications of pathogenicity. Review status: criteria provided, conflicting classifications (1 of 4 stars). 7 submissions from 7 submitters: Uncertain significance (1); Likely benign (6). Last evaluated 2026-03-01.

Conditions:
Cardiovascular phenotype. Identifiers: MedGen CN230736.
Dilated cardiomyopathy 1G (CMD1G). Identifiers: Orphanet 154, MedGen C1858763, MONDO:0011400, OMIM 604145.
Autosomal recessive limb-girdle muscular dystrophy type 2J (LGMDR10). Also called: Limb-girdle muscular dystrophy, type 2J; MUSCULAR DYSTROPHY, LIMB-GIRDLE, AUTOSOMAL RECESSIVE 10. Identifiers: Orphanet 140922, MedGen C1837342, MONDO:0012127, OMIM 608807.

Allele frequency attached by ClinVar (database versions not stated): gnomAD exomes below 0.00001 and 0.00001; ExAC 0.00001; gnomAD 0.00002 and 0.00003; TOPMed 0.00003; ESP Exome Variant Server 0.00008.

Submissions (7):

CeGaT Center for Human Genetics Tuebingen
Classification: Likely benign. Last evaluated: 2026-03-01. Review status: criteria provided, single submitter. Criteria: CeGaT Center For Human Genetics Tuebingen Variant Classification Criteria Version 2. Collection method: clinical testing. Allele origin: germline. Affected: yes. Observed: 1 variant allele.
Comment: TTN: BP4, BP7

Labcorp Genetics (formerly Invitae), Labcorp
Classification: Likely benign for Dilated cardiomyopathy 1G; Autosomal recessive limb-girdle muscular dystrophy type 2J. Last evaluated: 2025-08-31. Review status: criteria provided, single submitter. Criteria: Invitae Variant Classification Sherloc (09022015). Collection method: clinical testing. Allele origin: germline.

Revvity Omics, Revvity
Classification: Uncertain significance. Last evaluated: 2025-06-13. Review status: criteria provided, single submitter. Criteria: ACMG Guidelines, 2015. Collection method: clinical testing. Allele origin: germline.

Women's Health and Genetics/Laboratory Corporation of America, LabCorp
Classification: Likely benign. Last evaluated: 2025-04-03. Review status: criteria provided, single submitter. Criteria: LabCorp Variant Classification Summary - May 2015. Collection method: clinical testing. Allele origin: germline.

Ambry Genetics
Classification: Likely benign for Cardiovascular phenotype. Last evaluated: 2022-01-10. Review status: criteria provided, single submitter. Criteria: Ambry Variant Classification Scheme 2023. Collection method: clinical testing. Allele origin: germline.

ARUP Laboratories, Molecular Genetics and Genomics, ARUP Laboratories
Classification: Likely benign. Last evaluated: 2021-04-28. Review status: criteria provided, single submitter. Criteria: ARUP Molecular Germline Variant Investigation Process 2021. Collection method: clinical testing. Allele origin: germline.

GeneDx
Classification: Likely benign. Last evaluated: 2018-05-10. Review status: criteria provided, single submitter. Criteria: GeneDx Variant Classification (06012015). Collection method: clinical testing. Allele origin: germline. Affected: yes.
Comment: This variant is considered likely benign or benign based on one or more of the following criteria: it is a conservative change, it occurs at a poorly conserved position in the protein, it is predicted to be benign by multiple in silico algorithms, and/or has population frequency not consistent with disease.